The following is an entry in ClinVar:

ClinVar aggregate classification (germline): Conflicting classifications of pathogenicity. Review status: criteria provided, conflicting classifications (1 of 4 stars). 20 submissions from 20 submitters: Pathogenic (2); Likely pathogenic (3); Uncertain significance (8); Benign (1); Likely benign (4). 2 of the submissions do not count toward it. Last evaluated 2026-06-01.

Conditions:
Fetal anomalies with a likely genetic cause.
CFTR-related disorder (CFTR-RD). Also called: CFTR-related disorders; CFTR-related condition. Identifiers: MedGen C5924204, MONDO:7770004.
Congenital bilateral aplasia of vas deferens from CFTR mutation (CBAVD). Identifiers: Orphanet 48, MedGen C0403814, MONDO:0010178, OMIM 277180. Disease mechanism: loss of function.
Bronchiectasis with or without elevated sweat chloride 1 (BESC1). Also called: Cystic Fibrosis-Like Syndrome. Identifiers: Orphanet 60033, MedGen C2749757, MONDO:0008887, OMIM 211400.
Hereditary pancreatitis (PCTT). Also called: PRSS1-Related Hereditary Pancreatitis; Hereditary chronic pancreatitis. Identifiers: Orphanet 676, MedGen C0238339, MONDO:0008185, OMIM 167800.
Cystic fibrosis (CF). Also called: MUCOVISCIDOSIS. Identifiers: Orphanet 586, MedGen C0010674, MONDO:0009061, OMIM 219700. Disease mechanism: loss of function.

Allele frequency attached by ClinVar (database versions not stated): gnomAD exomes 0.00128; ExAC 0.00146; gnomAD 0.00338 and 0.00417; TOPMed 0.00442; 1000 Genomes Project 0.00519; 1000 Genomes Project 30x 0.00562.

Submissions 1 to 8 of 20:

CeGaT Center for Human Genetics Tuebingen
Classification: Uncertain significance. Last evaluated: 2026-06-01. Review status: criteria provided, single submitter. Criteria: CeGaT Center For Human Genetics Tuebingen Variant Classification Criteria Version 2. Collection method: clinical testing. Allele origin: germline. Affected: yes. Observed: 4 variant alleles.
Comment: CFTR: PM2, PS3:Supporting

Genetics Laboratory, Great Ormond Street Hospital NHS Foundation Trust, North Thames Genomic Laboratory Hub
Classification: Likely pathogenic for Fetal anomalies with a likely genetic cause. Last evaluated: 2026-02-16. Review status: criteria provided, single submitter. Criteria: ACGS Best Practice Guidelines for Variant Classification in Rare Disease 2024 v1.2. Collection method: clinical testing. Allele origin: germline. Affected: yes.
Comment: PM2_moderate, PP3_supporting, PS3_moderate, PM3_supporting

Labcorp Genetics (formerly Invitae), Labcorp
Classification: Benign for Cystic fibrosis. Last evaluated: 2026-02-04. Review status: criteria provided, single submitter. Criteria: Invitae Variant Classification Sherloc (09022015). Collection method: clinical testing. Allele origin: germline.

Quest Diagnostics Nichols Institute San Juan Capistrano
Classification: Uncertain significance. Last evaluated: 2025-02-07. Review status: criteria provided, single submitter. Criteria: Quest Diagnostics criteria. Collection method: clinical testing. Allele origin: unknown.
Comment: The CFTR c.[220C>T;601G>A;3808G>A] (p.[Arg74Trp;Val201Met;Asp1270Asn]) complex allele is associated with a variable CF-related phenotype depending on the overall genotype. Individuals who carry this variant in combination with a CF-causing pathogenic variant on the opposite chromosome, such as F508del, have been reported in a number of cases with mild or atypical cystic fibrosis (PMIDs: 37431359 (2023), 36982273 (2023), 33020115 (2020), 32687833 (2020), 28546993 (2017)), though penetrance has also been reported as incomplete in these genotypes (PMID: 18703181 (2008)). Individuals homozygous for the c.[220C>T;601G>A;3808G>A] allele, or compound heterozygous with missense variants such as p.Cys866Arg, p.Arg1066Cys, or p.Met952Ile, have presented with congenital absence of the vas deferens (PMIDs: 21520337 (2011), 15287992 (2004)). Functional data for this complex allele in immortalized cell lines and in patient cells are consistent with a severe reduction in function (PMIDs: 36552859 (2022), 27738188 (2017)). Therefore, this complex allele is classified as likely pathogenic with reduced penetrance, associated with atypical CF or CFTR-related disorders.

Ambry Genetics
Classification: Uncertain significance for Cystic fibrosis. Last evaluated: 2025-01-23. Review status: criteria provided, single submitter. Criteria: Ambry Variant Classification Scheme 2023. Collection method: clinical testing. Allele origin: germline.
Comment: The p.D1270N variant (also known as c.3808G>A), located in coding exon 23 of the CFTR gene, results from a G to A substitution at nucleotide position 3808. The aspartic acid at codon 1270 is replaced by asparagine, an amino acid with highly similar properties. However, it is often described as part of complex alleles: p.[R74W;D1270N], p.[R74W;R1070W;D1270N], and p.[R74W;V201M;D1270N] (Claustres M et al. BMC Med Genet, 2004 Aug;5:19; de Prada Merino A et al. J Cyst Fibros, 2010 Dec;9:447-9; Terlizzi V et al. J Med Genet, 2017 Apr;54:224-235). p.D1270N and p.[R74W;D1270N] have been detected in healthy individuals who had a pathogenic CFTR variant in trans (Claustres M et al. BMC Med Genet.2004;5:19; Terlizzi V et al. J Med Genet, 2017 Apr;54:224-235). p.[R74W;V201M;D1270N] has been identified in the homozygous state and in trans with a pathogenic CFTR mutation in multiple individuals with cystic fibrosis and CFTR-related disorders (Claustres M et al. BMC Med Genet, 2004 Aug;5:19; Steiner B et al. Hum Mutat, 2011 Aug;32:912-20; Lucarelli M et al. Mol Med, 2015 Apr;21:257-75; Terlizzi V et al. J Med Genet, 2017 Apr;54:224-235). Functional studies demonstrated that this variant on its own reduces CFTR activity, but the presence of the other variants (p.R74W and p.V201M) in cis results in further reduction (Sosnay PR et al. Nat Genet, 2013 Oct;45:1160-7; Van Goor F et al. J Cyst Fibros, 2014 Jan;13:29-36; Bihler H et al. J Cyst Fibros, 2024 Jul;23:664-675). This amino acid position is well conserved in available vertebrate species. In addition, the in silico prediction for this alteration is inconclusive. Based on the available evidence, the clinical significance of this variant remains unclear.

Fulgent Genetics
Classification: Likely pathogenic for Hereditary pancreatitis; Bronchiectasis with or without elevated sweat chloride 1; Cystic fibrosis; Congenital bilateral aplasia of vas deferens from CFTR mutation. Last evaluated: 2024-01-29. Review status: criteria provided, single submitter. Criteria: ACMG Guidelines, 2015. Collection method: clinical testing. Allele origin: germline.

PreventionGenetics, part of Exact Sciences
Classification: Uncertain significance for CFTR-related condition. Last evaluated: 2024-01-23. Review status: criteria provided, single submitter. Criteria: ACMG Guidelines, 2015. Collection method: clinical testing. Allele origin: germline.
Comment: The CFTR c.3808G>A variant is predicted to result in the amino acid substitution p.Asp1270Asn. This variant has been reported in patients with congenital bilateral absence of the vas deferens (Anguiano et al. 1992. PubMed ID: 1545465; Oates et al. 1993. PubMed ID: 8343799; Padoa et al. 1999. PubMed ID: 9950364; Chamayou et al. 2020. PubMed ID: 32357917), but has also been observed in the homozygous or compound heterozygous state in asymptomatic individuals (Terlizzi et al. 2017. PubMed ID: 27738188; Chamayou et al. 2020. PubMed ID: 32357917). The p.Asp1270Asn variant resulted in minimal disruption to CFTR processing in HeLa and FRT cells, suggesting normal CFTR maturation (Fanen et al. 1999. PubMed ID: 10386624; Sosnay et al 2013. PubMed ID: 23974870; Van Goor et al. 2014. PubMed ID: 23891399). In FRT cells, the p.Asp1270Asn variant retained nearly half of wild-type CFTR chloride channel transport function, which was restored to wild-type levels with ivacaftor, suggesting a mild defect in channel conductance (Sosnay et al 2013. PubMed ID: 23974870; Van Goor et al. 2014. PubMed ID: 23891399). Consistent with this, in HeLa cells, the p.Asp1270Asn variant impaired cAMP-responsive anion conductance of CFTR (Fanen et al. 1999. PubMed ID: 10386624). The p.Asp1270Asn variant is documented in 57 patients in the CFTR2 database with an average sweat chloride concentration of 57 mEq/L, compared to an average of 96 mEq/L for all patients in CFTR2 with two CF-causing variants. This variant is reported in up to ~1.4% of alleles in individuals of African descent in gnomAD, including three homozygous individuals of unknown phenotype. In ClinVar, this variant has conflicting interpretations of pathogenicity ranging from benign to pathogenic. In summary, due to conflicting genetic and functional evidence, the clinical significance of the p.Asp1270Asn variant is uncertain. Of note, the p.Arg74Trp and p.Asp1270Asn variants have been reported in linkage (on the same allele) and are collectively referred to as p.[Arg74Trp;Asp1270Asn]. Variant phasing information in gnomAD indicates that the p.Arg74Trp and p.Asp1270Asn variants likely occur in cis within the African, Latino/Admixed American and European (non-Finnish) subpopulations, but may rarely occur independently of each other. Consistent with this, one study observed that 94% of individuals carrying the p.Asp1270Asn variant also carried the p.Arg74Trp variant (Sugarman et al. 2004. PubMed ID: 15371903). The p.[Arg74Trp; Asp1270Asn] complex allele has been reported in compound heterozygous individuals with CBAVD and obstructive bronchitis (Claustres et al. 2004. PubMed ID: 15287992; Terlizzi et al. 2017. PubMed ID: 27738188; Chamayou et al. 2020. PubMed ID: 32357917), but has also been observed in the compound heterozygous state in asymptomatic individuals (Verlingue et al. 1993. PubMed ID: 7513889; Claustres et al. 2004. PubMed ID: 15287992; Terlizzi et al. 2017. PubMed ID: 27738188). In HeLa cells, the p.[Arg74Trp; Asp1270Asn] variant did not affect CFTR processing but did result in impaired cAMP-responsive anion conductance (Fanen et al. 1999. PubMed ID: 10386624). The authors suggest that both variants together may lead to a synergistic effect to further impair CFTR function than either variant in isolation (Fanen et al. 1999. PubMed ID: 10386624; Claustres et al. 2004. PubMed ID: 15287992). In addition, Sosnay et al. in a comprehensive study of CFTR variants classified these variants as “indeterminate” (Sosnay et al 2013. PubMed ID: 23974870). In ClinVar, the complex allele p.[Arg74Trp; Asp1270Asn] is interpreted as uncertain. In summary, due to the conflicting genetic and functional evidence, the clinical significance of the complex p.[R74W; D1270N] variant is also uncertain.

Mayo Clinic Laboratories, Mayo Clinic
Classification: Uncertain significance. Last evaluated: 2023-05-23. Review status: criteria provided, single submitter. Criteria: ACMG Guidelines, 2015. Collection method: clinical testing. Allele origin: germline. Observed: 21 variant alleles.

NM_000492.4(CFTR):c.3808G>A (p.Asp1270Asn)

Genes: CFTR (CF transmembrane conductance regulator; plus strand), CFTR-AS2 (CFTR antisense RNA 2; minus strand). Cytogenetic location: 7q31.2.
Variant type: single nucleotide variant.
Coding change: c.3808G>A on transcript NM_000492.4 (MANE Select); coding-DNA position 3808, G replaced by A.
Protein change: p.Asp1270Asn; replaces aspartic acid 1270 with asparagine.
Molecular consequence: missense variant.
Genome position (GRCh38, 1-based): chr7:117,642,528, G>A. VCF-style: chr7-117642528-G-A. GRCh37 (hg19) VCF-style: chr7-117282582-G-A.
Other names: short protein forms D1270N.
Identifiers: ClinVar variation 7164 (VCV000007164.120), dbSNP rs11971167, ClinGen allele CA254112.